The following is an entry in ClinVar:

ClinVar aggregate classification (germline): Uncertain significance. Review status: criteria provided, multiple submitters, no conflicts (2 of 4 stars). 2 submissions from 2 submitters: Uncertain significance (2). Last evaluated 2026-07-24.

Conditions:
Nephronophthisis 15 (NPHP15). Identifiers: Orphanet 3156, MedGen C3541853, MONDO:0013917, OMIM 614845.
CEP164-related disorder. Also called: CEP164-related condition.

Allele frequency attached by ClinVar (database versions not stated): ExAC 0.00003; gnomAD 0.00003; TOPMed 0.00004; ESP Exome Variant Server 0.00008.
gnomAD v4.1: 42 of 1,614,004 alleles (0.0026%); highest among the groups gnomAD compares: Middle Eastern, 0.016%; 1 homozygote.

Submissions (2):

PreventionGenetics, part of Exact Sciences
Classification: Uncertain significance for CEP164-related condition. Last evaluated: 2026-07-24. Review status: criteria provided, single submitter. Criteria: ACMG Guidelines, 2015. Collection method: clinical testing. Allele origin: germline.
Comment: The CEP164 c.1903C>T variant is predicted to result in the amino acid substitution p.Arg635Trp. To our knowledge, this variant has not been reported in the literature. This variant is reported in 0.019% of alleles in individuals of African descent in gnomAD. At this time, the clinical significance of this variant is uncertain due to the absence of conclusive functional and genetic evidence.

Labcorp Genetics (formerly Invitae), Labcorp
Classification: Uncertain significance for Nephronophthisis 15. Last evaluated: 2024-09-30. Review status: criteria provided, single submitter. Criteria: Invitae Variant Classification Sherloc (09022015). Collection method: clinical testing. Allele origin: germline.
Comment: This sequence change replaces arginine, which is basic and polar, with tryptophan, which is neutral and slightly polar, at codon 635 of the CEP164 protein (p.Arg635Trp). This variant is present in population databases (rs371712475, gnomAD 0.02%). This variant has not been reported in the literature in individuals affected with CEP164-related conditions. Invitae Evidence Modeling of protein sequence and biophysical properties (such as structural, functional, and spatial information, amino acid conservation, physicochemical variation, residue mobility, and thermodynamic stability) indicates that this missense variant is not expected to disrupt CEP164 protein function with a negative predictive value of 80%. In summary, the available evidence is currently insufficient to determine the role of this variant in disease. Therefore, it has been classified as a Variant of Uncertain Significance.

NM_014956.5(CEP164):c.1903C>T (p.Arg635Trp)

Gene: CEP164 (centrosomal protein 164; plus strand). Cytogenetic location: 11q23.3.
Variant type: single nucleotide variant.
Coding change: c.1903C>T on transcript NM_014956.5 (MANE Select); coding-DNA position 1903, C replaced by T.
Protein change: p.Arg635Trp; replaces arginine 635 with tryptophan.
Molecular consequence: missense variant.
Genome position (GRCh38, 1-based): chr11:117,387,381, C>T. VCF-style: chr11-117387381-C-T. GRCh37 (hg19) VCF-style: chr11-117258097-C-T.
Other names: c.1912C>T, p.Arg638Trp (NM_001271933.2); c.1903C>T (NM_014956.4); short protein forms R638W, R635W.
Identifiers: ClinVar variation 2742483 (VCV002742483.3), dbSNP rs371712475, ClinGen allele CA6294889.